The following is an entry in ClinVar:

NM_004629.2(FANCG):c.1538G>A (p.Arg513Gln)

Gene: FANCG (FA complementation group G; minus strand). Cytogenetic location: 9p13.3.
Variant type: single nucleotide variant.
Coding change: c.1538G>A on transcript NM_004629.2 (MANE Select); coding-DNA position 1538, G replaced by A.
Protein change: p.Arg513Gln; replaces arginine 513 with glutamine.
Molecular consequence: missense variant.
Genome position (GRCh38, 1-based): chr9:35,075,025, C>T on the plus strand (G>A on the coding strand, the complement: FANCG is on the minus strand). VCF-style: chr9-35075025-C-T. GRCh37 (hg19) VCF-style: chr9-35075022-C-T.
Other names: short protein forms R513Q.
Identifiers: ClinVar variation 134361 (VCV000134361.62), dbSNP rs17885240, ClinGen allele CA159600.
Genomic context (GRCh38, chr9:35,075,025, plus strand): 5'-GCTTTGGTATCCTGGCCGCTGGCTACCCATTCCAGTCCACGACTAATTAGGGCGGCTGCC[C>T]GAAGCTGCTGCAGTGCCGCATCTGACTTACATCCCTGCTCACAGTTGAAAGCTGCCCCTG-3'
Protein context (NP_004620.1, residues 503-523): CKSDAALQQL[Arg513Gln]AAALISRGLE

ClinVar aggregate classification (germline): Conflicting classifications of pathogenicity. Review status: criteria provided, conflicting classifications (1 of 4 stars). 18 submissions from 18 submitters: Uncertain significance (1); Benign (7); Likely benign (3). 7 of the submissions do not count toward it. Last evaluated 2026-09-01.

Conditions:
FANCG-related disorder. Also called: FANCG-related condition.
Fanconi anemia (FA). Also called: Fanconi's anemia. Identifiers: Orphanet 84, MedGen C0015625, MeSH D005199, MONDO:0019391.
Fanconi anemia complementation group G. Also called: Fanconi anemia group G; FANCG-Related Fanconi Anemia. Identifiers: Orphanet 84, MedGen C3469527, MONDO:0013565, OMIM 614082.

Allele frequency attached by ClinVar (database versions not stated): 1000 Genomes Project 0.00300; 1000 Genomes Project 30x 0.00328; TOPMed 0.00573; ESP Exome Variant Server 0.00715; gnomAD 0.00832 and 0.00863; gnomAD exomes 0.00832; ExAC 0.00876.

Submissions (18):

CeGaT Center for Human Genetics Tuebingen
Classification: Benign. Last evaluated: 2026-09-01. Review status: criteria provided, single submitter. Criteria: CeGaT Center For Human Genetics Tuebingen Variant Classification Criteria Version 2. Collection method: clinical testing. Allele origin: germline. Affected: yes. Observed: 99 variant alleles.
Comment: FANCG: BP4, BS1, BS2

Labcorp Genetics (formerly Invitae), Labcorp
Classification: Benign for Fanconi anemia. Last evaluated: 2026-02-04. Review status: criteria provided, single submitter. Criteria: Invitae Variant Classification Sherloc (09022015). Collection method: clinical testing. Allele origin: germline.

Dasa
Classification: Benign. Last evaluated: 2025-11-17. Review status: criteria provided, single submitter. Criteria: DASA Assertion Criteria. Collection method: clinical testing. Allele origin: germline.
Comment: NM_004629.2(FANCG):c.1538G>A (p.Arg513Gln) is a missense variant that results in the substitution of arginine with glutamine. Population frequency is inconsistent with a disease-causing role for this variant, and observations in unaffected individuals support a benign interpretation. Computational prediction algorithms are consistent with a benign effect. Therefore, based on the currently available evidence, this variant is classified as benign.

Blueprint Genetics
Classification: Likely benign. Last evaluated: 2024-11-20. Review status: criteria provided, single submitter. Criteria: ACMG Guidelines, 2015. Collection method: clinical testing. Allele origin: germline.

Molecular Genetics, Royal Melbourne Hospital
Classification: Benign for Fanconi anemia complementation group G. Last evaluated: 2024-01-05. Review status: criteria provided, single submitter. Criteria: ACMG Guidelines, 2015. Collection method: clinical testing. Allele origin: germline. Inheritance: Autosomal recessive inheritance. Affected: no.

KCCC/NGS Laboratory, Kuwait Cancer Control Center
Classification: Benign for Fanconi anemia complementation group G. Last evaluated: 2023-07-07. Review status: criteria provided, single submitter. Criteria: ACMG Guidelines, 2015. Collection method: clinical testing. Allele origin: germline. Affected: yes.

Women's Health and Genetics/Laboratory Corporation of America, LabCorp
Classification: Benign. Last evaluated: 2023-02-17. Review status: criteria provided, single submitter. Criteria: LabCorp Variant Classification Summary - May 2015. Collection method: clinical testing. Allele origin: germline.
Comment: Variant summary: FANCG c.1538G>A (p.Arg513Gln) results in a conservative amino acid change in the encoded protein sequence. Five of five in-silico tools predict a benign effect of the variant on protein function. The variant allele was found at a frequency of 0.0083 in 251472 control chromosomes in the gnomAD database, including 14 homozygotes. The observed variant frequency is approximately 9.41 fold of the estimated maximal expected allele frequency for a pathogenic variant in FANCG causing Fanconi Anemia phenotype (0.00088), strongly suggesting that the variant is benign. c.1538G>A has been reported in the literature in individuals affected with Fanconi Anemia and Acute Myeloid Leukemia (e.g., Meyer_2006, Nicchia_2015) however without strong evidence for causality. These reports therefore do not provide conclusions about association of the variant with Fanconi Anemia. To our knowledge, no experimental evidence demonstrating an impact on protein function has been reported. Eight ClinVar submitters (evaluation after 2014) have reported the variant with conflicting assessments: three cite the variant as benign, three cite the variant as likely benign, one cites the variant as uncertain signficance, and one cites the variant as pathogenic. Based on the evidence outlined above, the variant was classified as benign.

Genome-Nilou Lab
Classification: Likely benign for Fanconi anemia complementation group G. Last evaluated: 2021-05-18. Review status: criteria provided, single submitter. Criteria: ACMG Guidelines, 2015. Collection method: clinical testing. Allele origin: germline. Affected: no.

GeneDx
Classification: Likely benign. Last evaluated: 2020-10-08. Review status: criteria provided, single submitter. Criteria: GeneDx Variant Classification Process June 2021. Collection method: clinical testing. Allele origin: germline. Affected: yes.
Comment: This variant is associated with the following publications: (PMID: 26033879, 12552564, 16643430)

Illumina Laboratory Services, Illumina
Classification: Uncertain significance for Fanconi anemia complementation group G. Last evaluated: 2017-04-27. Review status: criteria provided, single submitter. Criteria: ICSL Variant Classification Criteria 13 December 2019. Collection method: clinical testing. Allele origin: germline.
Comment: This variant was observed as part of a predisposition screen in an ostensibly healthy population. A literature search was performed for the gene, cDNA change, and amino acid change (where applicable). Publications were found based on this search. However, the evidence from the literature, in combination with allele frequency data from public databases where available, was not sufficient to rule this variant in or out of causing disease. Therefore, this variant is classified as a variant of unknown significance.

Genetic Services Laboratory, University of Chicago
Classification: Benign. Last evaluated: 2016-11-14. Review status: criteria provided, single submitter. Criteria: ACMG Guidelines, 2015. Collection method: clinical testing. Allele origin: germline. Affected: no.

Natera, Inc.
Classification: Benign for Fanconi anemia group G. Last evaluated: 2020-09-16. Review status: no assertion criteria provided. Collection method: clinical testing. Allele origin: germline. Not counted in ClinVar's aggregate classification.

Leiden Open Variation Database
Classification: Pathogenic. Last evaluated: 2020-02-28. Review status: no assertion criteria provided. Collection method: curation. Allele origin: germline. Affected: yes. Not counted in ClinVar's aggregate classification.
Comment: Curator: Arleen D. Auerbach. Submitter to LOVD: Johan de Winter.

PreventionGenetics, part of Exact Sciences
Classification: Benign for FANCG-related condition. Last evaluated: 2019-10-09. Review status: no assertion criteria provided. Collection method: clinical testing. Allele origin: germline. Not counted in ClinVar's aggregate classification.
Comment: This variant is classified as benign based on ACMG/AMP sequence variant interpretation guidelines (Richards et al. 2015 PMID: 25741868, with internal and published modifications).

ITMI
No classification provided. Condition: AllHighlyPenetrant. Last evaluated: 2013-09-19. Review status: no classification provided. Collection method: reference population. Allele origin: germline. Not counted in ClinVar's aggregate classification.
Comment: Please see associated publication for description of ethnicities

Genome Diagnostics Laboratory, Amsterdam University Medical Center
Classification: Benign. Review status: no assertion criteria provided. Collection method: clinical testing. Allele origin: germline. Affected: yes. Study: VKGL Data-share Consensus. Not counted in ClinVar's aggregate classification.

Genome Diagnostics Laboratory, University Medical Center Utrecht
Classification: Benign. Review status: no assertion criteria provided. Collection method: clinical testing. Allele origin: germline. Affected: yes. Study: VKGL Data-share Consensus. Not counted in ClinVar's aggregate classification.

Laboratory of Diagnostic Genome Analysis, Leiden University Medical Center (LUMC)
Classification: Likely benign. Review status: no assertion criteria provided. Collection method: clinical testing. Allele origin: germline. Affected: yes. Study: VKGL Data-share Consensus. Not counted in ClinVar's aggregate classification.

Literature cited by the submitters: PubMed 26740942 (cited by Women's Health and Genetics/Laboratory Corporation of America, LabCorp); PubMed 16643430 (cited by 3 submitters); PubMed 24728327 (cited by ITMI).